The following is an entry in ClinVar:

NM_001366145.2(TRPM3):c.2319G>T (p.Trp773Cys)

Gene: TRPM3 (transient receptor potential cation channel subfamily M member 3; minus strand). Cytogenetic location: 9q21.12.
Variant type: single nucleotide variant.
Coding change: c.2319G>T on transcript NM_001366145.2 (MANE Select); coding-DNA position 2319, G replaced by T.
Protein change: p.Trp773Cys; replaces tryptophan 773 with cysteine.
Molecular consequence: missense variant.
Genome position (GRCh38, 1-based): chr9:70,618,906, C>A on the plus strand (G>T on the coding strand, the complement: TRPM3 is on the minus strand). VCF-style: chr9-70618906-C-A. GRCh37 (hg19) VCF-style: chr9-73233822-C-A.
Other names: c.2283G>T, p.Trp761Cys (NM_001007471.4, NM_001366151.2); c.2289G>T, p.Trp763Cys (NM_001366141.2, NM_001366143.2, NM_001366149.2); c.2325G>T, p.Trp775Cys (NM_001366142.2); c.2319G>T, p.Trp773Cys (NM_001366146.2); c.2394G>T, p.Trp798Cys (NM_001366147.2, NM_001366152.2); c.2364G>T, p.Trp788Cys (NM_001366148.2); c.2253G>T, p.Trp751Cys (NM_001366150.2); c.1860G>T, p.Trp620Cys (NM_001366154.2, NM_024971.7); and 5 more; short protein forms W598C, W620C, W623C, W775C, W608C, W610C, W761C, W788C.
Identifiers: ClinVar variation 3811024 (VCV003811024.2).

ClinVar aggregate classification (germline): Uncertain significance (1 of 4 stars; one submission).

Conditions:
Inborn genetic diseases. Identifiers: MedGen C0950123, MeSH D030342.

Submission:

Ambry Genetics
Classification: Uncertain significance for Inborn genetic diseases. Last evaluated: 2025-04-23. Review status: criteria provided, single submitter. Criteria: Ambry Variant Classification Scheme 2023. Collection method: clinical testing. Allele origin: germline.
Comment: The c.2283G>T (p.W761C) alteration is located in exon 16 (coding exon 16) of the TRPM3 gene. This alteration results from a G to T substitution at nucleotide position 2283, causing the tryptophan (W) at amino acid position 761 to be replaced by a cysteine (C). This variant was not reported in population-based cohorts in the Genome Aggregation Database (gnomAD). This amino acid position is highly conserved in available vertebrate species. This alteration is predicted to be deleterious by in silico analysis. Based on insufficient or conflicting evidence, the clinical significance of this alteration remains unclear.